The following is an entry in ClinVar:

NM_001256071.3(RNF213):c.3006C>T (p.Ala1002=)

Gene: RNF213 (ring finger protein 213; plus strand). Cytogenetic location: 17q25.3.
Variant type: single nucleotide variant.
Coding change: c.3006C>T on transcript NM_001256071.3 (MANE Select); coding-DNA position 3006, C replaced by T.
Protein change: p.Ala1002=; no amino-acid change (alanine 1002 retained).
Molecular consequence: synonymous variant.
Genome position (GRCh38, 1-based): chr17:80,319,294, C>T. VCF-style: chr17-80319294-C-T. GRCh37 (hg19) VCF-style: chr17-78293094-C-T.
Other names: c.3153C>T, p.Ala1051= (NM_001410195.1, NM_020914.5); c.3006C>T, p.Ala1002= (NM_020954.4).
Identifiers: ClinVar variation 3053637 (VCV003053637.18), dbSNP rs775787416, ClinGen allele CA8820069.

ClinVar aggregate classification (germline): Likely benign. Review status: criteria provided, multiple submitters, no conflicts (2 of 4 stars). 3 submissions from 3 submitters: Likely benign (2). 1 of the submissions does not count toward it. Last evaluated 2024-08-01.

Conditions:
RNF213-related disorder. Also called: RNF213-related condition.

Allele frequency attached by ClinVar (database versions not stated): gnomAD exomes 0.00003; gnomAD 0.00004; TOPMed 0.00004; ExAC 0.00005.
gnomAD v4.1: 53 of 1,614,042 alleles (0.0033%); highest among the groups gnomAD compares: Admixed American, 0.015%; no homozygotes.

Submissions (3):

CeGaT Center for Human Genetics Tuebingen
Classification: Likely benign. Last evaluated: 2024-08-01. Review status: criteria provided, single submitter. Criteria: CeGaT Center For Human Genetics Tuebingen Variant Classification Criteria Version 2. Collection method: clinical testing. Allele origin: germline. Affected: yes. Observed: 1 variant allele.
Comment: RNF213: BP4, BP7

Blueprint Genetics
Classification: Likely benign. Last evaluated: 2021-05-19. Review status: criteria provided, single submitter. Criteria: ACMG Guidelines, 2015. Collection method: clinical testing. Allele origin: germline.

PreventionGenetics, part of Exact Sciences
Classification: Likely benign for RNF213-related condition. Last evaluated: 2019-08-20. Review status: no assertion criteria provided. Collection method: clinical testing. Allele origin: germline. Not counted in ClinVar's aggregate classification.
Comment: This variant is classified as likely benign based on ACMG/AMP sequence variant interpretation guidelines (Richards et al. 2015 PMID: 25741868, with internal and published modifications).